The following is an entry in ClinVar:

NM_001048174.2(MUTYH):c.990C>A (p.Phe330Leu)

Gene: MUTYH (mutY DNA glycosylase; minus strand). Cytogenetic location: 1p34.1.
Variant type: single nucleotide variant.
Coding change: c.990C>A on transcript NM_001048174.2 (MANE Select); coding-DNA position 990, C replaced by A.
Protein change: p.Phe330Leu; replaces phenylalanine 330 with leucine.
Molecular consequence: missense variant. On other transcripts: non-coding transcript variant (7).
Genome position (GRCh38, 1-based): chr1:45,331,773, G>T on the plus strand (C>A on the coding strand, the complement: MUTYH is on the minus strand). VCF-style: chr1-45331773-G-T. GRCh37 (hg19) VCF-style: chr1-45797445-G-T.
Other names: c.990C>A, p.Phe330Leu (NM_001048171.2, NM_001048173.2, NM_001293195.2 and 6 more transcripts); c.993C>A, p.Phe331Leu (NM_001048172.2, NM_001407071.1, NM_001407078.1 and 1 more transcripts); c.1074C>A, p.Phe358Leu (NM_001128425.2); c.1035C>A, p.Phe345Leu (NM_001293190.2); c.1023C>A, p.Phe341Leu (NM_001293191.2, NM_001407069.1, NM_001407077.1); c.714C>A, p.Phe238Leu (NM_001293192.2, NM_001293196.2, NM_001407091.1); c.645C>A, p.Phe215Leu (NM_001350650.2, NM_001350651.2, NM_001407082.1); c.906C>A, p.Phe302Leu (NM_001407075.1); and 5 more; short protein forms F215L, F337L, F238L, F302L, F330L, F341L, F331L, F355L.
Identifiers: ClinVar variation 4112984 (VCV004112984.1).

ClinVar aggregate classification (germline): Uncertain significance (1 of 4 stars; one submission).

Conditions:
Hereditary cancer-predisposing syndrome. Also called: Tumor predisposition; Neoplastic Syndromes, Hereditary; Hereditary neoplastic syndrome; Hereditary Cancer Syndrome. Identifiers: Orphanet 140162, MedGen C0027672, MeSH D009386, MONDO:0015356.

Submission:

Ambry Genetics
Classification: Uncertain significance for Hereditary cancer-predisposing syndrome. Last evaluated: 2025-08-27. Review status: criteria provided, single submitter. Criteria: Ambry Variant Classification Scheme 2023. Collection method: clinical testing. Allele origin: germline.
Comment: The p.F358L variant (also known as c.1074C>A), located in coding exon 12 of the MUTYH gene, results from a C to A substitution at nucleotide position 1074. The phenylalanine at codon 358 is replaced by leucine, an amino acid with highly similar properties. This amino acid position is conserved. In addition, this alteration is predicted to be tolerated by in silico analysis. Based on the available evidence, the clinical significance of this variant remains unclear.